The following is an entry in ClinVar:

ClinVar aggregate classification (germline): Uncertain significance (1 of 4 stars; one submission).

Conditions:
Charcot-Marie-Tooth disease type 2E (CMT2E). Also called: CHARCOT-MARIE-TOOTH DISEASE, AXONAL, TYPE 2E; CHARCOT-MARIE-TOOTH NEUROPATHY, TYPE 2E. Identifiers: Orphanet 99939, MedGen C1843225, MONDO:0011894, OMIM 607684.

Allele frequency attached by ClinVar (database versions not stated): gnomAD 0.00001; gnomAD exomes 0.00001 and 0.00002; TOPMed 0.00001; ExAC 0.00004; ESP Exome Variant Server 0.00008.
gnomAD v4.1: 15 of 1,612,468 alleles (0.00093%); highest among the groups gnomAD compares: Admixed American, 0.0067%; no homozygotes.

Submission:

Labcorp Genetics (formerly Invitae), Labcorp
Classification: Uncertain significance for Charcot-Marie-Tooth disease type 2E. Last evaluated: 2024-10-23. Review status: criteria provided, single submitter. Criteria: Invitae Variant Classification Sherloc (09022015). Collection method: clinical testing. Allele origin: germline.
Comment: This sequence change replaces arginine, which is basic and polar, with glutamine, which is neutral and polar, at codon 399 of the NEFL protein (p.Arg399Gln). This variant is present in population databases (rs372997416, gnomAD 0.006%). This variant has not been reported in the literature in individuals affected with NEFL-related conditions. ClinVar contains an entry for this variant (Variation ID: 664528). Invitae Evidence Modeling of protein sequence and biophysical properties (such as structural, functional, and spatial information, amino acid conservation, physicochemical variation, residue mobility, and thermodynamic stability) indicates that this missense variant is expected to disrupt NEFL protein function with a positive predictive value of 80%. In summary, the available evidence is currently insufficient to determine the role of this variant in disease. Therefore, it has been classified as a Variant of Uncertain Significance.

NM_006158.5(NEFL):c.1196G>A (p.Arg399Gln)

Gene: NEFL (neurofilament light chain; minus strand). Cytogenetic location: 8p21.2.
Variant type: single nucleotide variant.
Coding change: c.1196G>A on transcript NM_006158.5 (MANE Select); coding-DNA position 1196, G replaced by A.
Protein change: p.Arg399Gln; replaces arginine 399 with glutamine.
Molecular consequence: missense variant.
Genome position (GRCh38, 1-based): chr8:24,953,769, C>T on the plus strand (G>A on the coding strand, the complement: NEFL is on the minus strand). VCF-style: chr8-24953769-C-T. GRCh37 (hg19) VCF-style: chr8-24811283-C-T.
Other names: short protein forms R399Q.
Identifiers: ClinVar variation 664528 (VCV000664528.4), dbSNP rs372997416, ClinGen allele CA4681315.